The following is an entry in ClinVar:

ClinVar aggregate classification (germline): Conflicting classifications of pathogenicity. Review status: criteria provided, conflicting classifications (1 of 4 stars). 5 submissions from 5 submitters: Uncertain significance (3); Likely benign (1). 1 of the submissions does not count toward it. Last evaluated 2026-09-21.

Conditions:
TTN-related disorder. Also called: TTN-related condition; TTN-related disease; TTN-related disorders.
Autosomal recessive limb-girdle muscular dystrophy type 2J (LGMDR10). Also called: MUSCULAR DYSTROPHY, LIMB-GIRDLE, AUTOSOMAL RECESSIVE 10; Limb-girdle muscular dystrophy, type 2J. Identifiers: Orphanet 140922, MedGen C1837342, MONDO:0012127, OMIM 608807.
Dilated cardiomyopathy 1G (CMD1G). Identifiers: Orphanet 154, MedGen C1858763, MONDO:0011400, OMIM 604145.
Primary dilated cardiomyopathy (DCM). Also called: Dilated Cardiomyopathy. Identifiers: Orphanet 217604, MedGen C0007193, MeSH D002311, MONDO:0005021, HP:0001644. Inheritance: Various modes of inheritance.

Allele frequency attached by ClinVar (database versions not stated): gnomAD below 0.00001 and 0.00006; gnomAD exomes 0.00025 and 0.00011; TOPMed 0.00003; ExAC 0.00054.
gnomAD v4.1: 167 of 1,550,838 alleles (0.011%); highest among the groups gnomAD compares: South Asian, 0.19%; 1 homozygote.

Submissions (5):

Molecular Diagnostic Laboratory for Inherited Cardiovascular Disease, Montreal Heart Institute
Classification: Likely benign. Last evaluated: 2026-09-21. Review status: criteria provided, single submitter. Criteria: ACMG Guidelines, 2015. Collection method: clinical testing. Allele origin: germline. Affected: no.
Comment: BS1;BP1

Labcorp Genetics (formerly Invitae), Labcorp
Classification: Uncertain significance for Dilated cardiomyopathy 1G; Autosomal recessive limb-girdle muscular dystrophy type 2J. Last evaluated: 2017-10-10. Review status: criteria provided, single submitter. Criteria: Invitae Variant Classification Sherloc (09022015). Collection method: clinical testing. Allele origin: germline.

GeneDx
Classification: Uncertain significance. Last evaluated: 2014-02-06. Review status: criteria provided, single submitter. Criteria: GeneDx Variant Classification (06012015). Collection method: clinical testing. Allele origin: germline. Affected: yes.
Comment: Missense variants in the TTN gene are considered 'unclassified' if they are not previously reported in the literature and do not have >1% frequency in the population to be considered a polymorphism. Research indicates that truncating mutations in the TTN gene are expected to account for approximately 25% of familial and 18% of sporadic idiopathic DCM; however, truncating variants in the TTN gene have been reported in approximately 3% of reported control alleles. There has been little investigation into non-truncating variants. (Herman D et al. Truncations of titin causing dilated cardiomyopathy. N Eng J Med 366:619-628, 2012) The variant is found in CARDIOMYOPATHY panel(s).

Genetics and Genomics Program, Sidra Medicine
Classification: Uncertain significance for Primary dilated cardiomyopathy. Review status: criteria provided, single submitter. Criteria: ACMG Guidelines, 2015. Collection method: research. Allele origin: unknown. Affected: yes. Observed: 1 variant allele.

PreventionGenetics, part of Exact Sciences
Classification: Likely benign for TTN-related condition. Last evaluated: 2022-03-31. Review status: no assertion criteria provided. Collection method: clinical testing. Allele origin: germline. Not counted in ClinVar's aggregate classification.
Comment: This variant is classified as likely benign based on ACMG/AMP sequence variant interpretation guidelines (Richards et al. 2015 PMID: 25741868, with internal and published modifications).

NM_001267550.2(TTN):c.30994C>G (p.Pro10332Ala)

Gene: TTN (titin; minus strand). Cytogenetic location: 2q31.2.
Variant type: single nucleotide variant.
Coding change: c.30994C>G on transcript NM_001267550.2 (MANE Select); coding-DNA position 30994, C replaced by G.
Protein change: p.Pro10332Ala; replaces proline 10332 with alanine.
Molecular consequence: missense variant. On other transcripts: intron variant (3).
Genome position (GRCh38, 1-based): chr2:178,696,078, G>C on the plus strand (C>G on the coding strand, the complement: TTN is on the minus strand). VCF-style: chr2-178696078-G-C. GRCh37 (hg19) VCF-style: chr2-179560805-G-C.
Other names: p.P10015A:CCA>GCA; c.30043C>G, p.Pro10015Ala (NM_001256850.1); c.27262C>G, p.Pro9088Ala (NM_133378.4); c.13282+42004C>G (NM_003319.4); c.13858+42004C>G (NM_133437.4); c.13657+42004C>G (NM_133432.3); short protein forms P10015A, P10332A, P9088A.
Identifiers: ClinVar variation 202559 (VCV000202559.9), dbSNP rs757869762, ClinGen allele CA309587.
Genomic context (GRCh38, chr2:178,696,078, plus strand): 5'-CTTCTACCTTAATCTCTTCATAGTCTTCATCTGGTTCTTCATAATAAGGTTGTTCAAATG[G>C]CTCTGTGTATGGTTCTACCTCCAGTTCGTCATAAGGTTCTTCGAAAGATTCAATGAAGAC-3'
Protein context (NP_001254479.2, residues 10322-10342): DELEVEPYTE[Pro10332Ala]FEQPYYEEPD